The following is an entry in ClinVar:

ClinVar aggregate classification (germline): Likely benign. Review status: criteria provided, multiple submitters, no conflicts (2 of 4 stars). 2 submissions from 2 submitters: Likely benign (2). Last evaluated 2025-04-17.

Allele frequency attached by ClinVar (database versions not stated): TOPMed below 0.00001; gnomAD 0.00001; gnomAD exomes 0.00002; ExAC 0.00003.

Submissions (2):

Labcorp Genetics (formerly Invitae), Labcorp
Classification: Likely benign. Last evaluated: 2025-04-17. Review status: criteria provided, single submitter. Criteria: Invitae Variant Classification Sherloc (09022015). Collection method: clinical testing. Allele origin: germline.

CeGaT Center for Human Genetics Tuebingen
Classification: Likely benign. Last evaluated: 2022-05-01. Review status: criteria provided, single submitter. Criteria: CeGaT Center For Human Genetics Tuebingen Variant Classification Criteria Version 2. Collection method: clinical testing. Allele origin: germline. Affected: yes. Observed: 1 variant allele.
Comment: CTBP1: BP4, BP7

NM_001012614.2(CTBP1):c.576C>T (p.Tyr192=)

Genes: CTBP1 (C-terminal binding protein 1; minus strand), CTBP1-AS (CTBP1 antisense RNA; plus strand). Cytogenetic location: 4p16.3.
Variant type: single nucleotide variant.
Coding change: c.576C>T on transcript NM_001012614.2 (MANE Select); coding-DNA position 576, C replaced by T.
Protein change: p.Tyr192=; no amino-acid change (tyrosine 192 retained).
Molecular consequence: synonymous variant. On other transcripts: non-coding transcript variant (1).
Genome position (GRCh38, 1-based): chr4:1,216,144, G>A on the plus strand (C>T on the coding strand, the complement: CTBP1 is on the minus strand). VCF-style: chr4-1216144-G-A. GRCh37 (hg19) VCF-style: chr4-1209932-G-A.
Other names: c.609C>T, p.Tyr203= (NM_001328.3, NM_001377186.1); c.576C>T, p.Tyr192= (NM_001377187.1, NM_001377188.1, NM_001377189.1 and 4 more transcripts).
Identifiers: ClinVar variation 2654550 (VCV002654550.25), dbSNP rs778142796, ClinGen allele CA2804358.